The following is an entry in ClinVar:

NM_001358530.2(MOCS1):c.1528G>C (p.Ala510Pro)

Gene: MOCS1 (molybdenum cofactor synthesis 1; minus strand). Cytogenetic location: 6p21.2.
Variant type: single nucleotide variant.
Coding change: c.1528G>C on transcript NM_001358530.2 (MANE Select); coding-DNA position 1528, G replaced by C.
Protein change: p.Ala510Pro; replaces alanine 510 with proline.
Molecular consequence: missense variant. On other transcripts: 3 prime UTR variant (4), non-coding transcript variant (1).
Genome position (GRCh38, 1-based): chr6:39,906,740, C>G on the plus strand (G>C on the coding strand, the complement: MOCS1 is on the minus strand). VCF-style: chr6-39906740-C-G. GRCh37 (hg19) VCF-style: chr6-39874516-C-G.
Other names: c.*385G>C (NM_001075098.4, NM_001358533.2, NM_001358534.2 and 1 more transcripts); c.1480G>C, p.Ala494Pro (NM_001358529.2); c.1267G>C, p.Ala423Pro (NM_001358531.2); short protein forms A423P, A494P, A510P.
Identifiers: ClinVar variation 4072269 (VCV004072269.1).

ClinVar aggregate classification (germline): Uncertain significance (1 of 4 stars; one submission).

Conditions:
Sulfite oxidase deficiency due to molybdenum cofactor deficiency type A. Also called: Molybdenum cofactor deficiency, complementation group A; Molybdenum Cofactor Deficiency A. Identifiers: Orphanet 308386, Orphanet 833, MedGen C1854988, MONDO:0009643, OMIM 252150.

Submission:

3billion
Classification: Uncertain significance for Sulfite oxidase deficiency due to molybdenum cofactor deficiency type A. Last evaluated: 2024-10-14. Review status: criteria provided, single submitter. Criteria: ACMG Guidelines, 2015. Collection method: clinical testing. Allele origin: germline. Affected: yes.
Comment: The variant is not observed in the gnomAD v4.1.0 dataset. Predicted Consequence/Location: Missense variant. The majority of the known disease-causing variants of this gene are variants expected to result in premature termination of the protein. The variant is in trans with the other variant. Therefore, this variant is classified as VUS according to the recommendation of ACMG/AMP guideline.